The following is an entry in ClinVar:

ClinVar aggregate classification (germline): Uncertain significance (1 of 4 stars; one submission).

Conditions:
Early-infantile DEE. Also called: Early infantile epileptic encephalopathy; Early infantile epileptic encephalopathy with suppression bursts; Ohtahara syndrome. Identifiers: Orphanet 1934, MedGen C0393706, MONDO:0800491.

Allele frequency attached by ClinVar (database versions not stated): gnomAD 0.00001; gnomAD exomes 0.00001.
gnomAD v4.1: 17 of 1,600,240 alleles (0.0011%); highest among the groups gnomAD compares: Non-Finnish European, 0.0014%; no homozygotes.

Submission:

Labcorp Genetics (formerly Invitae), Labcorp
Classification: Uncertain significance for Early-infantile DEE. Last evaluated: 2023-08-20. Review status: criteria provided, single submitter. Criteria: Invitae Variant Classification Sherloc (09022015). Collection method: clinical testing. Allele origin: germline.
Comment: In summary, the available evidence is currently insufficient to determine the role of this variant in disease. Therefore, it has been classified as a Variant of Uncertain Significance. An algorithm developed to predict the effect of missense changes on protein structure and function (PolyPhen-2) suggests that this variant is likely to be tolerated. This variant has not been reported in the literature in individuals affected with KCNQ2-related conditions. This variant is present in population databases (no rsID available, gnomAD 0.007%). This sequence change replaces asparagine, which is neutral and polar, with lysine, which is basic and polar, at codon 700 of the KCNQ2 protein (p.Asn700Lys).

NM_172107.4(KCNQ2):c.2100C>A (p.Asn700Lys)

Gene: KCNQ2 (potassium voltage-gated channel subfamily Q member 2; minus strand). Cytogenetic location: 20q13.33.
Variant type: single nucleotide variant.
Coding change: c.2100C>A on transcript NM_172107.4 (MANE Select); coding-DNA position 2100, C replaced by A.
Protein change: p.Asn700Lys; replaces asparagine 700 with lysine.
Molecular consequence: missense variant.
Genome position (GRCh38, 1-based): chr20:63,407,163, G>T on the plus strand (C>A on the coding strand, the complement: KCNQ2 is on the minus strand). VCF-style: chr20-63407163-G-T. GRCh37 (hg19) VCF-style: chr20-62038516-G-T.
Other names: c.2154C>A, p.Asn718Lys (NM_001382235.1); c.2016C>A, p.Asn672Lys (NM_004518.6); c.2046C>A, p.Asn682Lys (NM_172106.3); c.2007C>A, p.Asn669Lys (NM_172108.5); short protein forms N669K, N672K, N682K, N700K, N718K.
Identifiers: ClinVar variation 2914919 (VCV002914919.3), dbSNP rs889532997, ClinGen allele CA409638991.